The following is an entry in ClinVar:

NM_001270520.2(DAAM1):c.2140C>G (p.Pro714Ala)

Gene: DAAM1 (dishevelled associated activator of morphogenesis 1; plus strand). Cytogenetic location: 14q23.1.
Variant type: single nucleotide variant.
Coding change: c.2140C>G on transcript NM_001270520.2 (MANE Select); coding-DNA position 2140, C replaced by G.
Protein change: p.Pro714Ala; replaces proline 714 with alanine.
Molecular consequence: missense variant.
Genome position (GRCh38, 1-based): chr14:59,347,603, C>G. VCF-style: chr14-59347603-C-G. GRCh37 (hg19) VCF-style: chr14-59814321-C-G.
Other names: c.2170C>G, p.Pro724Ala (NM_014992.2); short protein forms P714A, P724A.
Identifiers: ClinVar variation 3079845 (VCV003079845.2), dbSNP rs141994965, ClinGen allele CA7207706.
Genomic context (GRCh38, chr14:59,347,603, plus strand): 5'-AAATTATCCAATGACGAAATCAAACGGGCAATTCTAACAATGGACGAACAGGAAGATCTG[C>G]CCAAGGACATGTTGGAACAGGTGAGCTACCAGATGTATCTGAGAGCAGAAGTGAAAAGCG-3'
Protein context (NP_001257449.1, residues 704-724): ILTMDEQEDL[Pro714Ala]KDMLEQLLKF

ClinVar aggregate classification (germline): Uncertain significance (1 of 4 stars; one submission).

Allele frequency attached by ClinVar (database versions not stated): TOPMed 0.00016; ExAC 0.00007; ESP Exome Variant Server 0.00008; gnomAD 0.00008; gnomAD exomes 0.00002.
gnomAD v4.1: 143 of 1,613,660 alleles (0.0089%); highest among the groups gnomAD compares: East Asian, 0.04%; 4 homozygotes.

Submission:

Ambry Genetics
Classification: Uncertain significance. Last evaluated: 2026-05-19. Review status: criteria provided, single submitter. Criteria: Ambry Variant Classification Scheme 2023. Collection method: clinical testing. Allele origin: germline.
Comment: The c.2170C>G (p.P724A) alteration is located in exon 18 (coding exon 17) of the DAAM1 gene. This alteration results from a C to G substitution at nucleotide position 2170, causing the proline (P) at amino acid position 724 to be replaced by an alanine (A). Based on data from gnomAD, the G allele has an overall frequency of 0.01% (27/282144) total alleles studied. The highest observed frequency was 0.069% (5/7200) of Other alleles. Based on insufficient or conflicting evidence, the clinical significance of this alteration remains unclear.